The following is an entry in ClinVar:

ClinVar aggregate classification (germline): Benign. Review status: criteria provided, multiple submitters, no conflicts (2 of 4 stars). 2 submissions from 2 submitters: Benign (2). Last evaluated 2018-01-12.

Conditions:
Combined immunodeficiency due to DOCK8 deficiency (HIES2). Also called: HIES autosomal recessive; Hyper-IgE recurrent infection syndrome, autosomal recessive; HYPER-IgE RECURRENT INFECTION SYNDROME 2, AUTOSOMAL RECESSIVE; HYPER-IgE SYNDROME 2, AUTOSOMAL RECESSIVE, WITH RECURRENT INFECTIONS; DOCK8 Deficiency. Identifiers: Orphanet 217390, MedGen C4722305, MONDO:0009478, OMIM 243700.

Allele frequency attached by ClinVar (database versions not stated): gnomAD 0.00421 and 0.00504; TOPMed 0.00493; 1000 Genomes Project 30x 0.00750; 1000 Genomes Project 0.00799; gnomAD exomes 0.00940.

Submissions (2):

Illumina Laboratory Services, Illumina
Classification: Benign for Combined immunodeficiency due to DOCK8 deficiency. Last evaluated: 2018-01-12. Review status: criteria provided, single submitter. Criteria: ICSL Variant Classification Criteria 13 December 2019. Collection method: clinical testing. Allele origin: germline.
Comment: This variant was observed in the ICSL laboratory as part of a predisposition screen in an ostensibly healthy population. It had not been previously curated by ICSL or reported in the Human Gene Mutation Database (HGMD: prior to June 1st, 2018), and was therefore a candidate for classification through an automated scoring system. Utilizing variant allele frequency, disease prevalence and penetrance estimates, and inheritance mode, an automated score was calculated to assess if this variant is too frequent to cause the disease. Based on the score and internal cut-off values, a variant classified as benign is not then subjected to further curation. The score for this variant resulted in a classification of benign for this disease.

Breakthrough Genomics
Classification: Benign. Review status: criteria provided, single submitter. Criteria: ACMG Guidelines, 2015. Collection method: not provided. Allele origin: germline. Inheritance: Autosomal recessive inheritance. Affected: yes.

NM_203447.4(DOCK8):c.*258T>C

Gene: DOCK8 (dedicator of cytokinesis 8; plus strand). Cytogenetic location: 9p24.3.
Variant type: single nucleotide variant.
Coding change: c.*258T>C on transcript NM_203447.4 (MANE Select); 258 bases downstream of the stop codon, T replaced by C.
Molecular consequence: 3 prime UTR variant.
Genome position (GRCh38, 1-based): chr9:464,477, T>C. VCF-style: chr9-464477-T-C. GRCh37 (hg19) VCF-style: chr9-464477-T-C.
Other names: c.*258T>C (NM_001190458.2, NM_001193536.2).
Identifiers: ClinVar variation 367098 (VCV000367098.6), dbSNP rs145094924, ClinGen allele CA10630255.